The following is an entry in ClinVar:

ClinVar aggregate classification (germline): Uncertain significance (1 of 4 stars; one submission).

Submission:

Labcorp Genetics (formerly Invitae), Labcorp
Classification: Uncertain significance. Last evaluated: 2022-02-24. Review status: criteria provided, single submitter. Criteria: Invitae Variant Classification Sherloc (09022015). Collection method: clinical testing. Allele origin: germline.
Comment: This variant has not been reported in the literature in individuals affected with C17orf62-related conditions. In summary, the available evidence is currently insufficient to determine the role of this variant in disease. Therefore, it has been classified as a Variant of Uncertain Significance. This variant is not present in population databases (gnomAD no frequency). This sequence change affects the initiator methionine of the C17orf62 mRNA. The next in-frame methionine is located at codon 125.

NM_001033046.4(CYBC1):c.3G>A (p.Met1Ile)

Gene: CYBC1 (cytochrome b-245 chaperone 1; minus strand). Cytogenetic location: 17q25.3.
Variant type: single nucleotide variant.
Coding change: c.3G>A on transcript NM_001033046.4 (MANE Select); coding-DNA position 3, G replaced by A.
Protein change: p.Met1Ile; changes the start codon (methionine 1).
Molecular consequence: missense variant, initiator codon variant. On other transcripts: non-coding transcript variant (1).
Genome position (GRCh38, 1-based): chr17:82,449,252, C>T on the plus strand (G>A on the coding strand, the complement: CYBC1 is on the minus strand). VCF-style: chr17-82449252-C-T. GRCh37 (hg19) VCF-style: chr17-80407128-C-T.
Other names: c.3G>A, p.Met1Ile (NM_001100407.3, NM_001100408.3, NM_001193653.2 and 3 more transcripts); short protein forms M1I.
Identifiers: ClinVar variation 1682740 (VCV001682740.7), dbSNP rs2143756680, ClinGen allele CA401609478.